The following is an entry in ClinVar:

NM_001267550.2(TTN):c.103927G>C (p.Asp34643His)

Genes: TTN-AS1 (TTN antisense RNA 1; plus strand), TTN (titin; minus strand). Cytogenetic location: 2q31.2.
Variant type: single nucleotide variant.
Coding change: c.103927G>C on transcript NM_001267550.2 (MANE Select); coding-DNA position 103927, G replaced by C.
Protein change: p.Asp34643His; replaces aspartic acid 34643 with histidine.
Molecular consequence: missense variant.
Genome position (GRCh38, 1-based): chr2:178,532,688, C>G on the plus strand (G>C on the coding strand, the complement: TTN is on the minus strand). VCF-style: chr2-178532688-C-G. GRCh37 (hg19) VCF-style: chr2-179397415-C-G.
Other names: c.99004G>C, p.Asp33002His (NM_001256850.1); c.76732G>C, p.Asp25578His (NM_003319.4); c.96223G>C, p.Asp32075His (NM_133378.4); c.77107G>C, p.Asp25703His (NM_133432.3); c.77308G>C, p.Asp25770His (NM_133437.4); short protein forms D32075H, D33002H, D34643H, D25578H, D25703H, D25770H.
Identifiers: ClinVar variation 4786998 (VCV004786998.1).

ClinVar aggregate classification (germline): Uncertain significance (1 of 4 stars; one submission).

Conditions:
Autosomal recessive limb-girdle muscular dystrophy type 2J (LGMDR10). Also called: Limb-girdle muscular dystrophy, type 2J; MUSCULAR DYSTROPHY, LIMB-GIRDLE, AUTOSOMAL RECESSIVE 10. Identifiers: Orphanet 140922, MedGen C1837342, MONDO:0012127, OMIM 608807.
Dilated cardiomyopathy 1G (CMD1G). Identifiers: Orphanet 154, MedGen C1858763, MONDO:0011400, OMIM 604145.

gnomAD v4.1: 1 of 1,613,956 alleles (0.000062%); highest among the groups gnomAD compares: Middle Eastern, 0.016%; no homozygotes.

Submission:

Labcorp Genetics (formerly Invitae), Labcorp
Classification: Uncertain significance for Dilated cardiomyopathy 1G; Autosomal recessive limb-girdle muscular dystrophy type 2J. Last evaluated: 2025-12-14. Review status: criteria provided, single submitter. Criteria: Invitae Variant Classification Sherloc (09022015). Collection method: clinical testing. Allele origin: germline.
Comment: This sequence change replaces aspartic acid, which is acidic and polar, with histidine, which is basic and polar, at codon 34643 of the TTN protein (p.Asp34643His). This variant is not present in population databases (gnomAD no frequency). This variant has not been reported in the literature in individuals affected with TTN-related conditions. Experimental studies and prediction algorithms are not available or were not evaluated, and the functional significance of this variant is currently unknown. This variant is located in the M band of TTN (PMID: 25589632). Non-truncating variants in this region may be relevant for neuromuscular disorders, but have not been definitively shown to cause cardiomyopathy (PMID: 23975875). In summary, the available evidence is currently insufficient to determine the role of this variant in disease. Therefore, it has been classified as a Variant of Uncertain Significance.

Literature cited by the submitters: PubMed 25589632; PubMed 23975875.